The following is an entry in ClinVar:

ClinVar aggregate classification (germline): Uncertain significance (1 of 4 stars; one submission).

Conditions:
Craniosynostosis syndrome. Also called: Craniosynostosis. Identifiers: Orphanet 1531, MedGen C0010278, MeSH D003398, MONDO:0015469, HP:0001363.

gnomAD v4.1: 2 of 1,613,784 alleles (0.00012%); highest among the groups gnomAD compares: South Asian, 0.0011%; no homozygotes.

Submission:

Klinisk genetik och genomik Research, Gothenburg University
Classification: Uncertain significance for Craniosynostosis. Last evaluated: 2019-06-25. Review status: criteria provided, single submitter. Criteria: ACMG Guidelines, 2015. Collection method: research. Allele origin: germline. Affected: yes. Observed: 1 variant allele.

Literature cited by the submitters: PubMed 31837199.

NM_015330.6(SPECC1L):c.1915C>T (p.Arg639Ter)

Genes: SPECC1L (sperm antigen with calponin homology and coiled-coil domains 1 like; plus strand), SPECC1L-ADORA2A (SPECC1L-ADORA2A readthrough (NMD candidate); plus strand). Cytogenetic location: 22q11.23.
Variant type: single nucleotide variant.
Coding change: c.1915C>T on transcript NM_015330.6 (MANE Select); coding-DNA position 1915, C replaced by T.
Protein change: p.Arg639Ter; replaces arginine 639 with a stop codon.
Molecular consequence: nonsense. On other transcripts: non-coding transcript variant (1).
Genome position (GRCh38, 1-based): chr22:24,322,895, C>T. VCF-style: chr22-24322895-C-T. GRCh37 (hg19) VCF-style: chr22-24718863-C-T.
Other names: c.1915C>T, p.Arg639Ter (NM_001145468.4, NM_001254732.3); short protein forms R639*.
Identifiers: ClinVar variation 691567 (VCV000691567.1), dbSNP rs1601553546, ClinGen allele CA410972536.